The following is an entry in ClinVar:

ClinVar aggregate classification (germline): Uncertain significance. Review status: criteria provided, multiple submitters, no conflicts (2 of 4 stars). 2 submissions from 2 submitters: Uncertain significance (2). Last evaluated 2025-05-27.

Conditions:
Long QT syndrome (LQTS). Identifiers: MedGen C0023976, MeSH D008133, MONDO:0002442. Disease mechanism: loss of function. Inheritance: Various modes of inheritance.

Allele frequency attached by ClinVar (database versions not stated): TOPMed below 0.00001; gnomAD exomes 0.00001; ExAC 0.00329.

Submissions (2):

GeneDx
Classification: Uncertain significance. Last evaluated: 2025-05-27. Review status: criteria provided, single submitter. Criteria: GeneDx Variant Classification Process June 2021. Collection method: clinical testing. Allele origin: germline. Affected: yes.
Comment: In silico analysis supports that this missense variant has a deleterious effect on protein structure/function; Has not been previously published as pathogenic or benign to our knowledge

Labcorp Genetics (formerly Invitae), Labcorp
Classification: Uncertain significance for Long QT syndrome. Last evaluated: 2025-02-05. Review status: criteria provided, single submitter. Criteria: Invitae Variant Classification Sherloc (09022015). Collection method: clinical testing. Allele origin: germline.
Comment: This sequence change replaces arginine, which is basic and polar, with cysteine, which is neutral and slightly polar, at codon 280 of the KCNH2 protein (p.Arg280Cys). The frequency data for this variant in the population databases is considered unreliable, as metrics indicate poor data quality at this position in the gnomAD database. This variant has not been reported in the literature in individuals affected with KCNH2-related conditions. ClinVar contains an entry for this variant (Variation ID: 943502). An algorithm developed to predict the effect of missense changes on protein structure and function (PolyPhen-2) suggests that this variant is likely to be disruptive. In summary, the available evidence is currently insufficient to determine the role of this variant in disease. Therefore, it has been classified as a Variant of Uncertain Significance.

NM_000238.4(KCNH2):c.838C>T (p.Arg280Cys)

Gene: KCNH2 (potassium voltage-gated channel subfamily H member 2; minus strand). Cytogenetic location: 7q36.1.
Variant type: single nucleotide variant.
Coding change: c.838C>T on transcript NM_000238.4 (MANE Select); coding-DNA position 838, C replaced by T.
Protein change: p.Arg280Cys; replaces arginine 280 with cysteine.
Molecular consequence: missense variant.
Genome position (GRCh38, 1-based): chr7:150,958,137, G>A on the plus strand (C>T on the coding strand, the complement: KCNH2 is on the minus strand). VCF-style: chr7-150958137-G-A. GRCh37 (hg19) VCF-style: chr7-150655225-G-A.
Other names: c.550C>T, p.Arg184Cys (NM_001406753.1, NM_001406756.1); c.661C>T, p.Arg221Cys (NM_001406755.1); c.538C>T, p.Arg180Cys (NM_001406757.1); c.838C>T, p.Arg280Cys (NM_172056.3); c.838C>T (NM_000238.2); short protein forms R280C, R180C, R221C, R184C.
Identifiers: ClinVar variation 943502 (VCV000943502.9), dbSNP rs781669869, ClinGen allele CA040708.
Genomic context (GRCh38, chr7:150,958,137, plus strand): 5'-GTGGCGGGGGCAGCACCCCGGCGCGCATGGCCTCGATGTCGTCGGCCGACGAGGCGCGGC[G>A]CACGCTGGCGCAGCTTTCTCGGGAGCGCGTCCGGGCCAGGCTGCAGCTGGAGCCCGAGGC-3'
Protein context (NP_000229.1, residues 270-290): TRSRESCASV[Arg280Cys]RASSADDIEA